The following is an entry in ClinVar:

NM_020987.5(ANK3):c.12637G>A (p.Ala4213Thr)

Gene: ANK3 (ankyrin 3; minus strand). Cytogenetic location: 10q21.2.
Variant type: single nucleotide variant.
Coding change: c.12637G>A on transcript NM_020987.5 (MANE Select); coding-DNA position 12637, G replaced by A.
Protein change: p.Ala4213Thr; replaces alanine 4213 with threonine.
Molecular consequence: missense variant.
Genome position (GRCh38, 1-based): chr10:60,059,389, C>T on the plus strand (G>A on the coding strand, the complement: ANK3 is on the minus strand). VCF-style: chr10-60059389-C-T. GRCh37 (hg19) VCF-style: chr10-61819147-C-T.
Other names: c.2509G>A, p.Ala837Thr (NM_001149.4); c.5089G>A, p.Ala1697Thr (NM_001204403.2); c.5110G>A, p.Ala1704Thr (NM_001204404.2); c.5107G>A, p.Ala1703Thr (NM_001320874.2); short protein forms A1704T, A837T, A1697T, A4213T, A1703T.
Identifiers: ClinVar variation 2589216 (VCV002589216.3), dbSNP rs375188855, ClinGen allele CA5510772.

ClinVar aggregate classification (germline): Uncertain significance. Review status: criteria provided, multiple submitters, no conflicts (2 of 4 stars). 2 submissions from 2 submitters: Uncertain significance (2). Last evaluated 2026-09-01.

Conditions:
Inborn genetic diseases. Identifiers: MedGen C0950123, MeSH D030342.

Allele frequency attached by ClinVar (database versions not stated): gnomAD 0.00003; ExAC 0.00004; gnomAD exomes 0.00004; TOPMed 0.00006; ESP Exome Variant Server 0.00008.
gnomAD v4.1: 60 of 1,613,952 alleles (0.0037%); highest among the groups gnomAD compares: African/African-American, 0.0067%; no homozygotes.

Submissions (2):

CeGaT Center for Human Genetics Tuebingen
Classification: Uncertain significance. Last evaluated: 2026-09-01. Review status: criteria provided, single submitter. Criteria: CeGaT Center For Human Genetics Tuebingen Variant Classification Criteria Version 2. Collection method: clinical testing. Allele origin: germline. Affected: yes. Observed: 1 variant allele.
Comment: ANK3: PM2, BP4

Ambry Genetics
Classification: Uncertain significance for Inborn genetic diseases. Last evaluated: 2023-07-17. Review status: criteria provided, single submitter. Criteria: Ambry Variant Classification Scheme 2023. Collection method: clinical testing. Allele origin: germline.
Comment: Unlikely to be causative of ANK3-related neurodevelopmental disorder (AD) Based on insufficient or conflicting evidence, the clinical significance of this alteration remains unclear.